The following is an entry in ClinVar:

ClinVar aggregate classification (germline): Uncertain significance (1 of 4 stars; one submission).

gnomAD v4.1: 6 of 1,613,910 alleles (0.00037%); highest among the groups gnomAD compares: South Asian, 0.0055%; no homozygotes.

Submission:

Ambry Genetics
Classification: Uncertain significance. Last evaluated: 2026-08-12. Review status: criteria provided, single submitter. Criteria: Ambry Variant Classification Scheme 2023. Collection method: clinical testing. Allele origin: germline.
Comment: The c.3043A>T (p.T1015S) alteration is located in exon 17 (coding exon 17) of the BDP1 gene. This alteration results from a A to T substitution at nucleotide position 3043, causing the threonine (T) at amino acid position 1015 to be replaced by a serine (S). Based on data from gnomAD, the T allele has an overall frequency of 0.001% (3/249086) total alleles studied. The highest observed frequency was 0.007% (2/30594) of South Asian alleles. Based on insufficient or conflicting evidence, the clinical significance of this alteration remains unclear.

NM_018429.3(BDP1):c.3043A>T (p.Thr1015Ser)

Gene: BDP1 (BDP1 general transcription factor IIIB subunit; plus strand). Cytogenetic location: 5q13.2.
Variant type: single nucleotide variant.
Coding change: c.3043A>T on transcript NM_018429.3 (MANE Select); coding-DNA position 3043, A replaced by T.
Protein change: p.Thr1015Ser; replaces threonine 1015 with serine.
Molecular consequence: missense variant.
Genome position (GRCh38, 1-based): chr5:71,510,135, A>T. VCF-style: chr5-71510135-A-T. GRCh37 (hg19) VCF-style: chr5-70805962-A-T.
Other names: short protein forms T1015S.
Identifiers: ClinVar variation 5032846 (VCV005032846.1).